The following is an entry in ClinVar:

ClinVar aggregate classification (germline): Uncertain significance. Review status: criteria provided, multiple submitters, no conflicts (2 of 4 stars). 2 submissions from 2 submitters: Uncertain significance (2). Last evaluated 2024-05-14.

Conditions:
Retinoblastoma (RB1). Also called: RETINOBLASTOMA, SOMATIC. Identifiers: Orphanet 790, MedGen C0035335, MeSH D012175, MONDO:0008380, OMIM 180200, HP:0009919. Disease mechanism: loss of function. Inheritance: Both sporadic and heritable forms are tested..

gnomAD v4.1: 1 of 1,509,556 alleles (0.000066%); highest among the groups gnomAD compares: South Asian, 0.0012%; no homozygotes.

Submissions (2):

All of Us Research Program, National Institutes of Health
Classification: Uncertain significance for Retinoblastoma. Last evaluated: 2024-05-14. Review status: criteria provided, single submitter. Criteria: ACMG Guidelines, 2015. Collection method: clinical testing. Allele origin: germline. Inheritance: Autosomal dominant inheritance. Observed: 1 variant allele, 1 heterozygote.
Comment: This missense variant replaces alanine with threonine at codon 18 of the RB1 protein. Computational prediction suggests that this variant may not impact protein structure and function. To our knowledge, functional studies have not been reported for this variant. This variant has not been reported in individuals affected with RB1-related disorders in the literature. This variant has not been identified in the general population by the Genome Aggregation Database (gnomAD). The available evidence is insufficient to determine the role of this variant in disease conclusively. Therefore, this variant is classified as a Variant of Uncertain Significance.

This study involves interpretation of variants in research participants for the purpose of population health screening. Participant phenotype was not available at the time of variant classification. Additional details can be found in publication PMID: 35346344, PMCID: PMC8962531

Labcorp Genetics (formerly Invitae), Labcorp
Classification: Uncertain significance for Retinoblastoma. Last evaluated: 2024-04-03. Review status: criteria provided, single submitter. Criteria: Invitae Variant Classification Sherloc (09022015). Collection method: clinical testing. Allele origin: germline.
Comment: This sequence change replaces alanine, which is neutral and non-polar, with threonine, which is neutral and polar, at codon 18 of the RB1 protein (p.Ala18Thr). This variant is not present in population databases (gnomAD no frequency). This variant has not been reported in the literature in individuals affected with RB1-related conditions. ClinVar contains an entry for this variant (Variation ID: 648128). Advanced modeling of protein sequence and biophysical properties (such as structural, functional, and spatial information, amino acid conservation, physicochemical variation, residue mobility, and thermodynamic stability) has been performed at Invitae for this missense variant, however the output from this modeling did not meet the statistical confidence thresholds required to predict the impact of this variant on RB1 protein function. In summary, the available evidence is currently insufficient to determine the role of this variant in disease. Therefore, it has been classified as a Variant of Uncertain Significance.

NM_000321.3(RB1):c.52G>A (p.Ala18Thr)

Gene: RB1 (RB transcriptional corepressor 1; plus strand). Cytogenetic location: 13q14.2.
Variant type: single nucleotide variant.
Coding change: c.52G>A on transcript NM_000321.3 (MANE Select); coding-DNA position 52, G replaced by A.
Protein change: p.Ala18Thr; replaces alanine 18 with threonine.
Molecular consequence: missense variant.
Genome position (GRCh38, 1-based): chr13:48,303,964, G>A. VCF-style: chr13-48303964-G-A. GRCh37 (hg19) VCF-style: chr13-48878100-G-A.
Other names: short protein forms A18T.
Identifiers: ClinVar variation 648128 (VCV000648128.9), dbSNP rs528218090, ClinGen allele CA388250228.
Genomic context (GRCh38, chr13:48,303,964, plus strand): 5'-AAAGGCGTCATGCCGCCCAAAACCCCCCGAAAAACGGCCGCCACCGCCGCCGCTGCCGCC[G>A]CGGAACCCCCGGCACCGCCGCCGCCGCCCCCTCCTGAGGAGGACCCAGAGCAGGACAGCG-3'
Protein context (NP_000312.2, residues 8-28): KTAATAAAAA[Ala18Thr]EPPAPPPPPP